The following is an entry in ClinVar:

ClinVar aggregate classification (germline): Uncertain significance. Review status: criteria provided, multiple submitters, no conflicts (2 of 4 stars). 3 submissions from 3 submitters: Uncertain significance (3). Last evaluated 2025-03-20.

Conditions:
Muscle AMP deaminase deficiency (MMDD). Also called: Myoadenylate deaminase deficiency, myopathy due to; Adenosine monophosphate deaminase 1 deficiency; AMP deaminase 1 deficiency; Adenosine Monophosphate Deaminase 1; ADENOSINE MONOPHOSPHATE DEAMINASE-1 DEFICIENCY, MYOPATHY DUE TO; AMPD1 DEFICIENCY. Identifiers: Orphanet 45, MedGen C3714933, MONDO:0014220, OMIM 615511.
Inborn genetic diseases. Identifiers: MedGen C0950123, MeSH D030342.

Allele frequency attached by ClinVar (database versions not stated): gnomAD exomes below 0.00001; gnomAD 0.00003 and 0.00004.
gnomAD v4.1: 10 of 1,613,784 alleles (0.00062%); highest among the groups gnomAD compares: Admixed American, 0.0083%; no homozygotes.

Submissions (3):

Ambry Genetics
Classification: Uncertain significance for Inborn genetic diseases. Last evaluated: 2025-03-20. Review status: criteria provided, single submitter. Criteria: Ambry Variant Classification Scheme 2023. Collection method: clinical testing. Allele origin: germline.

Labcorp Genetics (formerly Invitae), Labcorp
Classification: Uncertain significance for Muscle AMP deaminase deficiency. Last evaluated: 2024-01-04. Review status: criteria provided, single submitter. Criteria: Invitae Variant Classification Sherloc (09022015). Collection method: clinical testing. Allele origin: germline.
Comment: This sequence change replaces isoleucine, which is neutral and non-polar, with valine, which is neutral and non-polar, at codon 431 of the AMPD1 protein (p.Ile431Val). This variant is not present in population databases (gnomAD no frequency). This variant has not been reported in the literature in individuals affected with AMPD1-related conditions. ClinVar contains an entry for this variant (Variation ID: 1410658). An algorithm developed to predict the effect of missense changes on protein structure and function (PolyPhen-2) suggests that this variant is likely to be disruptive. In summary, the available evidence is currently insufficient to determine the role of this variant in disease. Therefore, it has been classified as a Variant of Uncertain Significance.

Revvity Omics, Revvity
Classification: Uncertain significance for Muscle AMP deaminase deficiency. Last evaluated: 2019-12-19. Review status: criteria provided, single submitter. Criteria: ACMG Guidelines, 2015. Collection method: clinical testing. Allele origin: germline.

NM_000036.3(AMPD1):c.1192A>G (p.Ile398Val)

Gene: AMPD1 (adenosine monophosphate deaminase 1; minus strand). Cytogenetic location: 1p13.2.
Variant type: single nucleotide variant.
Coding change: c.1192A>G on transcript NM_000036.3 (MANE Select); coding-DNA position 1192, A replaced by G.
Protein change: p.Ile398Val; replaces isoleucine 398 with valine.
Molecular consequence: missense variant.
Genome position (GRCh38, 1-based): chr1:114,677,942, T>C on the plus strand (A>G on the coding strand, the complement: AMPD1 is on the minus strand). VCF-style: chr1-114677942-T-C. GRCh37 (hg19) VCF-style: chr1-115220563-T-C.
Other names: c.1291A>G (NM_000036.2); c.1180A>G, p.Ile394Val (NM_001172626.2); short protein forms I398V, I394V.
Identifiers: ClinVar variation 1410658 (VCV001410658.9), dbSNP rs1263217341, ClinGen allele CA341749015.